The following is an entry in ClinVar:

ClinVar aggregate classification (germline): Uncertain significance (1 of 4 stars; one submission).

Submission:

GeneDx
Classification: Uncertain significance. Last evaluated: 2023-06-23. Review status: criteria provided, single submitter. Criteria: GeneDx Variant Classification Process June 2021. Collection method: clinical testing. Allele origin: germline. Affected: yes.
Comment: Not observed at significant frequency in large population cohorts (gnomAD); In silico analysis supports that this missense variant does not alter protein structure/function; Has not been previously published as pathogenic or benign to our knowledge

NM_177433.3(MAGED2):c.1615G>A (p.Ala539Thr)

Gene: MAGED2 (MAGE family member D2; plus strand). Cytogenetic location: Xp11.21.
Variant type: single nucleotide variant.
Coding change: c.1615G>A on transcript NM_177433.3 (MANE Select); coding-DNA position 1615, G replaced by A.
Protein change: p.Ala539Thr; replaces alanine 539 with threonine.
Molecular consequence: missense variant.
Genome position (GRCh38, 1-based): chrX:54,815,476, G>A. VCF-style: chrX-54815476-G-A. GRCh37 (hg19) VCF-style: chrX-54841909-G-A.
Other names: c.1615G>A, p.Ala539Thr (NM_014599.6, NM_201222.3); short protein forms A539T.
Identifiers: ClinVar variation 3360267 (VCV003360267.1).